The following is an entry in ClinVar:

NM_001040108.2(MLH3):c.808T>G (p.Phe270Val)

Gene: MLH3 (mutL homolog 3; minus strand). Cytogenetic location: 14q24.3.
Variant type: single nucleotide variant.
Coding change: c.808T>G on transcript NM_001040108.2 (MANE Select); coding-DNA position 808, T replaced by G.
Protein change: p.Phe270Val; replaces phenylalanine 270 with valine.
Molecular consequence: missense variant.
Genome position (GRCh38, 1-based): chr14:75,048,848, A>C on the plus strand (T>G on the coding strand, the complement: MLH3 is on the minus strand). VCF-style: chr14-75048848-A-C. GRCh37 (hg19) VCF-style: chr14-75515551-A-C.
Other names: c.808T>G, p.Phe270Val (NM_014381.3); short protein forms F270V.
Identifiers: ClinVar variation 649730 (VCV000649730.12), dbSNP rs931639997, ClinGen allele CA263653431.

ClinVar aggregate classification (germline): Uncertain significance. Review status: criteria provided, multiple submitters, no conflicts (2 of 4 stars). 3 submissions from 3 submitters: Uncertain significance (2). 1 of the submissions does not count toward it. Last evaluated 2026-02-03.

Conditions:
Colorectal cancer, hereditary nonpolyposis, type 7. Identifiers: Orphanet 144, MedGen C1858380, MONDO:0013725, OMIM 614385.
MLH3-related disorder. Also called: MLH3-related condition.

Allele frequency attached by ClinVar (database versions not stated): gnomAD exomes below 0.00001 and 0.00001; gnomAD 0.00001 and 0.00002; TOPMed 0.00004.
gnomAD v4.1: 6 of 1,614,056 alleles (0.00037%); highest among the groups gnomAD compares: African/African-American, 0.008%; no homozygotes.

Submissions (3):

Labcorp Genetics (formerly Invitae), Labcorp
Classification: Uncertain significance for Colorectal cancer, hereditary nonpolyposis, type 7. Last evaluated: 2026-02-03. Review status: criteria provided, single submitter. Criteria: Invitae Variant Classification Sherloc (09022015). Collection method: clinical testing. Allele origin: germline.
Comment: This sequence change replaces phenylalanine, which is neutral and non-polar, with valine, which is neutral and non-polar, at codon 270 of the MLH3 protein (p.Phe270Val). This variant is present in population databases (no rsID available, gnomAD 0.01%). This variant has not been reported in the literature in individuals affected with MLH3-related conditions. ClinVar contains an entry for this variant (Variation ID: 649730). An algorithm developed to predict the effect of missense changes on protein structure and function (PolyPhen-2) suggests that this variant is likely to be disruptive. In summary, the available evidence is currently insufficient to determine the role of this variant in disease. Therefore, it has been classified as a Variant of Uncertain Significance.

Ambry Genetics
Classification: Uncertain significance. Last evaluated: 2025-09-12. Review status: criteria provided, single submitter. Criteria: Ambry Variant Classification Scheme 2023. Collection method: clinical testing. Allele origin: germline.
Comment: The p.F270V variant (also known as c.808T>G), located in coding exon 1 of the MLH3 gene, results from a T to G substitution at nucleotide position 808. The phenylalanine at codon 270 is replaced by valine, an amino acid with highly similar properties. This amino acid position is well conserved in available vertebrate species. In addition, the in silico prediction for this alteration is inconclusive. The evidence for this gene-disease relationship is limited; therefore, the clinical significance of this alteration is unclear.

PreventionGenetics, part of Exact Sciences
Classification: Uncertain significance for MLH3-related condition. Last evaluated: 2024-08-17. Review status: no assertion criteria provided. Collection method: clinical testing. Allele origin: germline. Not counted in ClinVar's aggregate classification.
Comment: The MLH3 c.808T>G variant is predicted to result in the amino acid substitution p.Phe270Val. To our knowledge, this variant has not been reported in the literature. This variant is reported in 0.012% of alleles in individuals of African descent in gnomAD and is classified as a variant of uncertain significance in gnomAD. At this time, the clinical significance of this variant is uncertain due to the absence of conclusive functional and genetic evidence.